The following is an entry in ClinVar:

NM_004370.6(COL12A1):c.5336G>A (p.Arg1779His)

Gene: COL12A1 (collagen type XII alpha 1 chain; minus strand). Cytogenetic location: 6q13.
Variant type: single nucleotide variant.
Coding change: c.5336G>A on transcript NM_004370.6 (MANE Select); coding-DNA position 5336, G replaced by A.
Protein change: p.Arg1779His; replaces arginine 1779 with histidine.
Molecular consequence: missense variant.
Genome position (GRCh38, 1-based): chr6:75,137,495, C>T on the plus strand (G>A on the coding strand, the complement: COL12A1 is on the minus strand). VCF-style: chr6-75137495-C-T. GRCh37 (hg19) VCF-style: chr6-75847211-C-T.
Other names: c.1844G>A, p.Arg615His (NM_080645.3); short protein forms R1779H, R615H.
Identifiers: ClinVar variation 1316708 (VCV001316708.10), dbSNP rs748487098, ClinGen allele CA3893162.

ClinVar aggregate classification (germline): Uncertain significance. Review status: criteria provided, multiple submitters, no conflicts (2 of 4 stars). 3 submissions from 3 submitters: Uncertain significance (3). Last evaluated 2026-01-06.

Conditions:
Bethlem myopathy 2 (BTHLM2). Identifiers: Orphanet 536516, Orphanet 610, MedGen C4225313, MONDO:0034022, OMIM 616471.
Ullrich congenital muscular dystrophy 2 (UCMD2). Identifiers: Orphanet 75840, MedGen C4225314, MONDO:0014654, OMIM 616470.

Allele frequency attached by ClinVar (database versions not stated): gnomAD 0.00003 and 0.00004; ExAC 0.00003; gnomAD exomes 0.00003.
gnomAD v4.1: 78 of 1,613,596 alleles (0.0048%); highest among the groups gnomAD compares: Admixed American, 0.0083%; no homozygotes.

Submissions (3):

Labcorp Genetics (formerly Invitae), Labcorp
Classification: Uncertain significance for Bethlem myopathy 2; Ullrich congenital muscular dystrophy 2. Last evaluated: 2026-01-06. Review status: criteria provided, single submitter. Criteria: Invitae Variant Classification Sherloc (09022015). Collection method: clinical testing. Allele origin: germline.
Comment: This sequence change replaces arginine, which is basic and polar, with histidine, which is basic and polar, at codon 1779 of the COL12A1 protein (p.Arg1779His). This variant is present in population databases (rs748487098, gnomAD 0.008%). This variant has not been reported in the literature in individuals affected with COL12A1-related conditions. ClinVar contains an entry for this variant (Variation ID: 1316708). Invitae Evidence Modeling of protein sequence and biophysical properties (such as structural, functional, and spatial information, amino acid conservation, physicochemical variation, residue mobility, and thermodynamic stability) has been performed for this missense variant. However, the output from this modeling did not meet the statistical confidence thresholds required to predict the impact of this variant on COL12A1 protein function. In summary, the available evidence is currently insufficient to determine the role of this variant in disease. Therefore, it has been classified as a Variant of Uncertain Significance.

GeneDx
Classification: Uncertain significance. Last evaluated: 2022-09-19. Review status: criteria provided, single submitter. Criteria: GeneDx Variant Classification Process June 2021. Collection method: clinical testing. Allele origin: germline. Affected: yes.
Comment: In silico analysis supports that this missense variant does not alter protein structure/function; Has not been previously published as pathogenic or benign to our knowledge

Revvity Omics, Revvity
Classification: Uncertain significance. Last evaluated: 2022-03-21. Review status: criteria provided, single submitter. Criteria: ACMG Guidelines, 2015. Collection method: clinical testing. Allele origin: germline.